The following is an entry in ClinVar:

ClinVar aggregate classification (germline): Uncertain significance (1 of 4 stars; one submission).

Submission:

Labcorp Genetics (formerly Invitae), Labcorp
Classification: Uncertain significance. Last evaluated: 2023-08-22. Review status: criteria provided, single submitter. Criteria: Invitae Variant Classification Sherloc (09022015). Collection method: clinical testing. Allele origin: germline.
Comment: This variant has not been reported in the literature in individuals affected with ACAN-related conditions. Advanced modeling of protein sequence and biophysical properties (such as structural, functional, and spatial information, amino acid conservation, physicochemical variation, residue mobility, and thermodynamic stability) performed at Invitae indicates that this missense variant is not expected to disrupt ACAN protein function. In summary, the available evidence is currently insufficient to determine the role of this variant in disease. Therefore, it has been classified as a Variant of Uncertain Significance. This variant is not present in population databases (gnomAD no frequency). This sequence change replaces alanine, which is neutral and non-polar, with threonine, which is neutral and polar, at codon 171 of the ACAN protein (p.Ala171Thr).

NM_001369268.1(ACAN):c.511G>A (p.Ala171Thr)

Gene: ACAN (aggrecan; plus strand). Cytogenetic location: 15q26.1.
Variant type: single nucleotide variant.
Coding change: c.511G>A on transcript NM_001369268.1 (MANE Select); coding-DNA position 511, G replaced by A.
Protein change: p.Ala171Thr; replaces alanine 171 with threonine.
Molecular consequence: missense variant.
Genome position (GRCh38, 1-based): chr15:88,840,068, G>A. VCF-style: chr15-88840068-G-A. GRCh37 (hg19) VCF-style: chr15-89383299-G-A.
Other names: c.511G>A, p.Ala171Thr (NM_001135.4, NM_001411096.1, NM_001411097.1 and 1 more transcripts); short protein forms A171T.
Identifiers: ClinVar variation 2754378 (VCV002754378.3), dbSNP rs2505230329, ClinGen allele CA393716938.
Genomic context (GRCh38, chr15:88,840,068, plus strand): 5'-GCAGGCATCGTGTTCCATTACAGAGCCATCTCTACACGCTACACCCTCGACTTTGACAGG[G>A]CGCAGCGGGCCTGCCTGCAGAACAGTGCCATCATTGCCACGCCTGAGCAGCTGCAGGCCG-3'
Protein context (NP_001356197.1, residues 161-181): STRYTLDFDR[Ala171Thr]QRACLQNSAI